The following is an entry in ClinVar:

NM_024675.4(PALB2):c.1533A>T (p.Arg511Ser)

Gene: PALB2 (partner and localizer of BRCA2; minus strand). Cytogenetic location: 16p12.2.
Variant type: single nucleotide variant.
Coding change: c.1533A>T on transcript NM_024675.4 (MANE Select); coding-DNA position 1533, A replaced by T.
Protein change: p.Arg511Ser; replaces arginine 511 with serine.
Molecular consequence: missense variant.
Genome position (GRCh38, 1-based): chr16:23,635,013, T>A on the plus strand (A>T on the coding strand, the complement: PALB2 is on the minus strand). VCF-style: chr16-23635013-T-A. GRCh37 (hg19) VCF-style: chr16-23646334-T-A.
Other names: short protein forms R511S.
Identifiers: ClinVar variation 969892 (VCV000969892.12), dbSNP rs941787019, ClinGen allele CA279498226.

ClinVar aggregate classification (germline): Uncertain significance. Review status: criteria provided, multiple submitters, no conflicts (2 of 4 stars). 2 submissions from 2 submitters: Uncertain significance (2). Last evaluated 2024-04-22.

Conditions:
Familial cancer of breast. Also called: hereditary breast carcinoma; Hereditary breast cancer; BREAST CANCER, FAMILIAL. Identifiers: Orphanet 227535, MedGen C0346153, MONDO:0016419, OMIM 114480. Disease mechanism: loss of function.

Submissions (2):

Labcorp Genetics (formerly Invitae), Labcorp
Classification: Uncertain significance for Familial cancer of breast. Last evaluated: 2024-04-22. Review status: criteria provided, single submitter. Criteria: Invitae Variant Classification Sherloc (09022015). Collection method: clinical testing. Allele origin: germline.
Comment: This sequence change replaces arginine, which is basic and polar, with serine, which is neutral and polar, at codon 511 of the PALB2 protein (p.Arg511Ser). This variant is not present in population databases (gnomAD no frequency). This variant has not been reported in the literature in individuals affected with PALB2-related conditions. ClinVar contains an entry for this variant (Variation ID: 969892). Advanced modeling of protein sequence and biophysical properties (such as structural, functional, and spatial information, amino acid conservation, physicochemical variation, residue mobility, and thermodynamic stability) has been performed at Invitae for this missense variant, however the output from this modeling did not meet the statistical confidence thresholds required to predict the impact of this variant on PALB2 protein function. In summary, the available evidence is currently insufficient to determine the role of this variant in disease. Therefore, it has been classified as a Variant of Uncertain Significance.

GeneDx
Classification: Uncertain significance. Last evaluated: 2022-02-07. Review status: criteria provided, single submitter. Criteria: GeneDx Variant Classification Process June 2021. Collection method: clinical testing. Allele origin: germline. Affected: yes.
Comment: Not observed at significant frequency in large population cohorts (gnomAD); In silico analysis supports that this missense variant has a deleterious effect on protein structure/function; Has not been previously published as pathogenic or benign to our knowledge